The following is an entry in ClinVar:

ClinVar aggregate classification (germline): Uncertain significance. Review status: criteria provided, multiple submitters, no conflicts (2 of 4 stars). 2 submissions from 2 submitters: Uncertain significance (2). Last evaluated 2026-01-05.

Conditions:
Inborn genetic diseases. Identifiers: MedGen C0950123, MeSH D030342.
COG4-congenital disorder of glycosylation. Also called: CONGENITAL DISORDER OF GLYCOSYLATION, TYPE IIj; CDG IIj; COG4-CDG. Identifiers: Orphanet 263501, MedGen C4303552, MONDO:0013281, OMIM 613489.

Allele frequency attached by ClinVar (database versions not stated): gnomAD 0.00003 and 0.00004.

Submissions (2):

Labcorp Genetics (formerly Invitae), Labcorp
Classification: Uncertain significance for COG4-congenital disorder of glycosylation. Last evaluated: 2026-01-05. Review status: criteria provided, single submitter. Criteria: Invitae Variant Classification Sherloc (09022015). Collection method: clinical testing. Allele origin: germline.
Comment: This sequence change replaces threonine, which is neutral and polar, with methionine, which is neutral and non-polar, at codon 613 of the COG4 protein (p.Thr613Met). This variant is present in population databases (rs755376017, gnomAD 0.04%). This variant has not been reported in the literature in individuals affected with COG4-related conditions. ClinVar contains an entry for this variant (Variation ID: 1381173). Invitae Evidence Modeling of protein sequence and biophysical properties (such as structural, functional, and spatial information, amino acid conservation, physicochemical variation, residue mobility, and thermodynamic stability) indicates that this missense variant is not expected to disrupt COG4 protein function with a negative predictive value of 80%. In summary, the available evidence is currently insufficient to determine the role of this variant in disease. Therefore, it has been classified as a Variant of Uncertain Significance.

Ambry Genetics
Classification: Uncertain significance for Inborn genetic diseases. Last evaluated: 2025-03-03. Review status: criteria provided, single submitter. Criteria: Ambry Variant Classification Scheme 2023. Collection method: clinical testing. Allele origin: germline.

NM_015386.3(COG4):c.1838C>T (p.Thr613Met)

Gene: COG4 (component of oligomeric golgi complex 4; minus strand). Cytogenetic location: 16q22.1.
Variant type: single nucleotide variant.
Coding change: c.1838C>T on transcript NM_015386.3 (MANE Select); coding-DNA position 1838, C replaced by T.
Protein change: p.Thr613Met; replaces threonine 613 with methionine.
Molecular consequence: missense variant. On other transcripts: non-coding transcript variant (1).
Genome position (GRCh38, 1-based): chr16:70,482,811, G>A on the plus strand (C>T on the coding strand, the complement: COG4 is on the minus strand). VCF-style: chr16-70482811-G-A. GRCh37 (hg19) VCF-style: chr16-70516714-G-A.
Other names: c.1838C>T (NM_015386.2); c.1763C>T, p.Thr588Met (NM_001195139.2); c.1412C>T, p.Thr471Met (NM_001365426.1); short protein forms T613M, T471M, T588M.
Identifiers: ClinVar variation 1381173 (VCV001381173.7), dbSNP rs755376017, ClinGen allele CA8144160.